The following is an entry in ClinVar:

ClinVar aggregate classification (germline): Likely benign (1 of 4 stars; one submission).

gnomAD v4.1: 13,602 of 1,613,702 alleles (0.84%); highest among the groups gnomAD compares: Non-Finnish European, 0.96%; 93 homozygotes.

Submissions (16):

CeGaT Center for Human Genetics Tuebingen
Classification: Likely benign. Last evaluated: 2025-07-01. Review status: criteria provided, single submitter. Criteria: CeGaT Center For Human Genetics Tuebingen Variant Classification Criteria Version 2. Collection method: clinical testing. Allele origin: germline. Affected: yes. Observed: 2 variant alleles.
Comment: MTCL1: BP4, BS2

Dr. Peter K. Rogan Lab, Western University
No classification provided (evidence only). Condition: Clear cell carcinoma of kidney. Review status: no classification provided. Collection method: in vitro. Allele origin: not applicable. Functional consequence: retained intron. Not counted in ClinVar's aggregate classification.

Dr. Peter K. Rogan Lab, Western University
No classification provided (evidence only). Condition: Clear cell carcinoma of kidney. Review status: no classification provided. Collection method: in vitro. Allele origin: not applicable. Functional consequence: retained intron. Not counted in ClinVar's aggregate classification.

Dr. Peter K. Rogan Lab, Western University
No classification provided (evidence only). Condition: Lung cancer. Review status: no classification provided. Collection method: in vitro. Allele origin: not applicable. Functional consequence: retained intron. Not counted in ClinVar's aggregate classification.

Dr. Peter K. Rogan Lab, Western University
No classification provided (evidence only). Condition: Melanoma. Review status: no classification provided. Collection method: in vitro. Allele origin: not applicable. Functional consequence: retained intron. Not counted in ClinVar's aggregate classification.

Dr. Peter K. Rogan Lab, Western University
No classification provided (evidence only). Condition: Melanoma. Review status: no classification provided. Collection method: in vitro. Allele origin: not applicable. Functional consequence: retained intron. Not counted in ClinVar's aggregate classification.

Dr. Peter K. Rogan Lab, Western University
No classification provided (evidence only). Condition: Colon adenocarcinoma. Review status: no classification provided. Collection method: in vitro. Allele origin: not applicable. Functional consequence: retained intron. Not counted in ClinVar's aggregate classification.

Dr. Peter K. Rogan Lab, Western University
No classification provided (evidence only). Condition: Cervical cancer. Review status: no classification provided. Collection method: in vitro. Allele origin: not applicable. Functional consequence: retained intron. Not counted in ClinVar's aggregate classification.

Dr. Peter K. Rogan Lab, Western University
No classification provided (evidence only). Condition: Cervical cancer. Review status: no classification provided. Collection method: in vitro. Allele origin: not applicable. Functional consequence: retained intron. Not counted in ClinVar's aggregate classification.

Dr. Peter K. Rogan Lab, Western University
No classification provided (evidence only). Condition: Cervical cancer. Review status: no classification provided. Collection method: in vitro. Allele origin: not applicable. Functional consequence: retained intron. Not counted in ClinVar's aggregate classification.

Dr. Peter K. Rogan Lab, Western University
No classification provided (evidence only). Condition: Sarcoma. Review status: no classification provided. Collection method: in vitro. Allele origin: not applicable. Functional consequence: retained intron. Not counted in ClinVar's aggregate classification.

Dr. Peter K. Rogan Lab, Western University
No classification provided (evidence only). Condition: Thymoma. Review status: no classification provided. Collection method: in vitro. Allele origin: not applicable. Functional consequence: retained intron. Not counted in ClinVar's aggregate classification.

Dr. Peter K. Rogan Lab, Western University
No classification provided (evidence only). Condition: Cholangiocarcinoma. Review status: no classification provided. Collection method: in vitro. Allele origin: not applicable. Functional consequence: retained intron. Not counted in ClinVar's aggregate classification.

Dr. Peter K. Rogan Lab, Western University
No classification provided (evidence only). Condition: Gastric cancer. Review status: no classification provided. Collection method: in vitro. Allele origin: not applicable. Functional consequence: retained intron. Not counted in ClinVar's aggregate classification.

Dr. Peter K. Rogan Lab, Western University
No classification provided (evidence only). Condition: Uterine carcinosarcoma. Review status: no classification provided. Collection method: in vitro. Allele origin: not applicable. Functional consequence: retained intron. Not counted in ClinVar's aggregate classification.

Dr. Peter K. Rogan Lab, Western University
No classification provided (evidence only). Condition: Malignant tumor of esophagus. Review status: no classification provided. Collection method: in vitro. Allele origin: not applicable. Functional consequence: retained intron. Not counted in ClinVar's aggregate classification.

NM_001395333.1(MTCL1):c.3551A>G (p.Lys1184Arg)

Gene: MTCL1 (microtubule crosslinking factor 1; plus strand). Cytogenetic location: 18p11.22.
Variant type: single nucleotide variant.
Coding change: c.3551A>G on transcript NM_001395333.1 (MANE Select); coding-DNA position 3551, A replaced by G.
Protein change: p.Lys1184Arg; replaces lysine 1184 with arginine.
Molecular consequence: missense variant.
Genome position (GRCh38, 1-based): chr18:8,806,927, A>G. VCF-style: chr18-8806927-A-G. GRCh37 (hg19) VCF-style: chr18-8806925-A-G.
Other names: NC_000018.9:g.8806925A>G; c.3428A>G, p.Lys1143Arg (NM_001378205.1, NM_001378207.1); c.3551A>G, p.Lys1184Arg (NM_001378206.1); c.2348A>G, p.Lys783Arg (NM_001395220.1); c.2471A>G, p.Lys824Arg (NM_015210.4); short protein forms K1143R, K1184R, K783R, K824R.
Identifiers: ClinVar variation 3770482 (VCV003770482.14).